The following is an entry in ClinVar:

ClinVar aggregate classification (germline): Conflicting classifications of pathogenicity. Review status: criteria provided, conflicting classifications (1 of 4 stars). 4 submissions from 4 submitters: Uncertain significance (3); Likely benign (1). Last evaluated 2024-11-05.

Conditions:
Cardiovascular phenotype. Identifiers: MedGen CN230736.
RASopathy. Also called: rasopathies; Noonan spectrum disorder. Identifiers: Orphanet 536391, MedGen C5555857, MONDO:0021060.
Noonan syndrome 1 (NS1). Also called: FEMALE PSEUDO-TURNER SYNDROME; PTPN11-Related Noonan Syndrome; TURNER PHENOTYPE WITH NORMAL KARYOTYPE. Identifiers: Orphanet 648, MedGen C4551602, MONDO:0008104, OMIM 163950. Disease mechanism: gain of function.

Allele frequency attached by ClinVar (database versions not stated): gnomAD exomes 0.00001 and 0.00003; ExAC 0.00002.

Submissions (4):

Ambry Genetics
Classification: Uncertain significance for Cardiovascular phenotype. Last evaluated: 2024-11-05. Review status: criteria provided, single submitter. Criteria: Ambry Variant Classification Scheme 2023. Collection method: clinical testing. Allele origin: germline.
Comment: The p.A392T variant (also known as c.1174G>A), located in coding exon 10 of the PTPN11 gene, results from a G to A substitution at nucleotide position 1174. The alanine at codon 392 is replaced by threonine, an amino acid with similar properties. This amino acid position is well conserved in available vertebrate species. In addition, the in silico prediction for this alteration is inconclusive. Based on the available evidence, the clinical significance of this variant remains unclear.

Labcorp Genetics (formerly Invitae), Labcorp
Classification: Uncertain significance for RASopathy. Last evaluated: 2024-06-16. Review status: criteria provided, single submitter. Criteria: Invitae Variant Classification Sherloc (09022015). Collection method: clinical testing. Allele origin: germline.
Comment: This sequence change replaces alanine, which is neutral and non-polar, with threonine, which is neutral and polar, at codon 392 of the PTPN11 protein (p.Ala392Thr). This variant is present in population databases (rs774356443, gnomAD 0.02%). This variant has not been reported in the literature in individuals affected with PTPN11-related conditions. ClinVar contains an entry for this variant (Variation ID: 224093). Advanced modeling of protein sequence and biophysical properties (such as structural, functional, and spatial information, amino acid conservation, physicochemical variation, residue mobility, and thermodynamic stability) performed at Invitae indicates that this missense variant is not expected to disrupt PTPN11 protein function with a negative predictive value of 95%. In summary, the available evidence is currently insufficient to determine the role of this variant in disease. Therefore, it has been classified as a Variant of Uncertain Significance.

Mayo Clinic Laboratories, Mayo Clinic
Classification: Uncertain significance. Last evaluated: 2021-12-07. Review status: criteria provided, single submitter. Criteria: ACMG Guidelines, 2015. Collection method: clinical testing. Allele origin: germline.

HudsonAlpha Institute for Biotechnology
Classification: Likely benign for Noonan syndrome 1. Last evaluated: 2016-06-14. Review status: criteria provided, single submitter. Criteria: HA_assertions_20161101. Collection method: research. Allele origin: de novo. Affected: no. Observed: 1 variant allele. Study: CSER-HudsonAlpha.

NM_002834.5(PTPN11):c.1174G>A (p.Ala392Thr)

Gene: PTPN11 (protein tyrosine phosphatase non-receptor type 11; plus strand). Cytogenetic location: 12q24.13.
Variant type: single nucleotide variant.
Coding change: c.1174G>A on transcript NM_002834.5 (MANE Select); coding-DNA position 1174, G replaced by A.
Protein change: p.Ala392Thr; replaces alanine 392 with threonine.
Molecular consequence: missense variant.
Genome position (GRCh38, 1-based): chr12:112,482,155, G>A. VCF-style: chr12-112482155-G-A. GRCh37 (hg19) VCF-style: chr12-112919959-G-A.
Other names: p.Ala392Thr; c.1174G>A, p.Ala392Thr (NM_001330437.2, NM_080601.3); c.1171G>A, p.Ala391Thr (NM_001374625.1); short protein forms A392T, A391T.
Identifiers: ClinVar variation 224093 (VCV000224093.12), dbSNP rs774356443, ClinGen allele CA357176.